The following is an entry in ClinVar:

ClinVar aggregate classification (germline): Uncertain significance (1 of 4 stars; one submission).

Conditions:
Hereditary cancer-predisposing syndrome. Also called: Hereditary Cancer Syndrome; Hereditary neoplastic syndrome; Tumor predisposition; Neoplastic Syndromes, Hereditary. Identifiers: Orphanet 140162, MedGen C0027672, MeSH D009386, MONDO:0015356.

Submission:

Ambry Genetics
Classification: Uncertain significance for Hereditary cancer-predisposing syndrome. Last evaluated: 2020-09-21. Review status: criteria provided, single submitter. Criteria: Ambry Variant Classification Scheme 2023. Collection method: clinical testing. Allele origin: germline.
Comment: The p.R836G variant (also known as c.2506A>G), located in coding exon 17 of the BRIP1 gene, results from an A to G substitution at nucleotide position 2506. The arginine at codon 836 is replaced by glycine, an amino acid with dissimilar properties. This amino acid position is poorly conserved in available vertebrate species. In addition, the in silico prediction for this alteration is inconclusive. Since supporting evidence is limited at this time, the clinical significance of this alteration remains unclear.

NM_032043.3(BRIP1):c.2506A>G (p.Arg836Gly)

Gene: BRIP1 (BRCA1 interacting DNA helicase 1; minus strand). Cytogenetic location: 17q23.2.
Variant type: single nucleotide variant.
Coding change: c.2506A>G on transcript NM_032043.3 (MANE Select); coding-DNA position 2506, A replaced by G.
Protein change: p.Arg836Gly; replaces arginine 836 with glycine.
Molecular consequence: missense variant.
Genome position (GRCh38, 1-based): chr17:61,693,499, T>C on the plus strand (A>G on the coding strand, the complement: BRIP1 is on the minus strand). VCF-style: chr17-61693499-T-C. GRCh37 (hg19) VCF-style: chr17-59770860-T-C.
Other names: short protein forms R836G.
Identifiers: ClinVar variation 1792312 (VCV001792312.2), dbSNP rs1348941968, ClinGen allele CA400482481.